The following is an entry in ClinVar:

NM_004946.3(DOCK2):c.4568C>T (p.Pro1523Leu)

Gene: DOCK2 (dedicator of cytokinesis 2; plus strand). Cytogenetic location: 5q35.1.
Variant type: single nucleotide variant.
Coding change: c.4568C>T on transcript NM_004946.3 (MANE Select); coding-DNA position 4568, C replaced by T.
Protein change: p.Pro1523Leu; replaces proline 1523 with leucine.
Molecular consequence: missense variant. On other transcripts: non-coding transcript variant (1).
Genome position (GRCh38, 1-based): chr5:170,067,610, C>T. VCF-style: chr5-170067610-C-T. GRCh37 (hg19) VCF-style: chr5-169494614-C-T.
Other names: short protein forms P1523L.
Identifiers: ClinVar variation 3623261 (VCV003623261.1).
Genomic context (GRCh38, chr5:170,067,610, plus strand): 5'-CCACGGCCAATGAGAAGATCCTGATGATGATAAACCAGTACCAGAGTGATGAGACCCTCC[C>T]CATCAACCCACTCTCCATGCTCCTGAACGGGATTGTGGACCCTGCTGTCATGGGAGGCTT-3'
Protein context (NP_004937.1, residues 1513-1533): INQYQSDETL[Pro1523Leu]INPLSMLLNG

ClinVar aggregate classification (germline): Uncertain significance (1 of 4 stars; one submission).

Conditions:
DOCK2 deficiency. Also called: Immunodeficiency 40. Identifiers: Orphanet 447737, MedGen C4225328, MONDO:0014637, OMIM 616433.

gnomAD v4.1: 2 of 1,614,074 alleles (0.00012%); highest among the groups gnomAD compares: Admixed American, 0.0017%; no homozygotes.

Submission:

Labcorp Genetics (formerly Invitae), Labcorp
Classification: Uncertain significance for DOCK2 deficiency. Last evaluated: 2024-03-20. Review status: criteria provided, single submitter. Criteria: Invitae Variant Classification Sherloc (09022015). Collection method: clinical testing. Allele origin: germline.
Comment: This sequence change replaces proline, which is neutral and non-polar, with leucine, which is neutral and non-polar, at codon 1523 of the DOCK2 protein (p.Pro1523Leu). This variant is not present in population databases (gnomAD no frequency). This variant has not been reported in the literature in individuals affected with DOCK2-related conditions. An algorithm developed to predict the effect of missense changes on protein structure and function (PolyPhen-2) suggests that this variant is likely to be disruptive. In summary, the available evidence is currently insufficient to determine the role of this variant in disease. Therefore, it has been classified as a Variant of Uncertain Significance.